The following is an entry in ClinVar:

ClinVar aggregate classification (germline): Pathogenic. Review status: criteria provided, multiple submitters, no conflicts (2 of 4 stars). 10 submissions from 10 submitters: Pathogenic (9). 1 of the submissions does not count toward it. Last evaluated 2026-01-24.

Conditions:
VPS13A-related neurodegenerative disease. Also called: VPS13A Disease; ACANTHOCYTOSIS WITH NEUROLOGIC DISORDER; LEVINE-CRITCHLEY SYNDROME; Choreoacanthocytosis; Chorea-acanthocytosis; Choreaacanthocytosis. Identifiers: Orphanet 2388, MedGen C0393576, MONDO:0008695, OMIM 200150.
VPS13A-related disorder. Also called: VPS13A-related condition.

Allele frequency attached by ClinVar (database versions not stated): gnomAD exomes 0.00001 and 0.00002; ExAC 0.00002; gnomAD 0.00008; TOPMed 0.00022.

Submissions (10):

Labcorp Genetics (formerly Invitae), Labcorp
Classification: Pathogenic. Last evaluated: 2026-01-24. Review status: criteria provided, single submitter. Criteria: Invitae Variant Classification Sherloc (09022015). Collection method: clinical testing. Allele origin: germline.
Comment: This sequence change creates a premature translational stop signal (p.Val1187Leufs*12) in the VPS13A gene. It is expected to result in an absent or disrupted protein product. Loss-of-function variants in VPS13A are known to be pathogenic (PMID: 12404112, 21598378). This variant is present in population databases (rs779746050, gnomAD 0.006%). This premature translational stop signal has been observed in individual(s) with chorea-acanthocytosis (PMID: 11381253, 17998451). ClinVar contains an entry for this variant (Variation ID: 654006). For these reasons, this variant has been classified as Pathogenic.

Natera, Inc.
Classification: Pathogenic for Choreaacanthocytosis. Last evaluated: 2025-12-23. Review status: criteria provided, single submitter. Criteria: Natera Variant Classification Schema (03/2026). Collection method: clinical testing. Allele origin: germline.
Comment: The c.3556_3557dupAC variant in VPS13A is a frameshift variant predicted to shift the reading frame beginning at codon 1187 and leads to a stop codon 12 codons downstream. This variant is expected to result in nonsense mediated decay, truncation, or a dysfunctional protein product. This variant is rare in the general population with a frequency below the threshold expected for the associated phenotype(s). This variant has been observed in one or more individuals affected with the associated recessive disease, as either homozygous or compound heterozygous with a second variant (PMID: 11381253, 17998451, 22038564). Given the available evidence, this variant is classified as Pathogenic.

Variantyx, Inc.
Classification: Pathogenic for VPS13A-related neurodegenerative disease. Last evaluated: 2025-03-14. Review status: criteria provided, single submitter. Criteria: Variantyx Assertion Criteria 2022. Collection method: clinical testing. Allele origin: germline.
Comment: This is a frameshift variant in the VPS13A gene (OMIM: 605978). Pathogenic variants in this gene have been associated with autosomal recessive choreoacanthocytosis. This variant introduces a premature termination codon in exon 33 out of 72. It is expected to result in loss of function, which is a known disease mechanism for VPS13A in this disorder (PMID: 12404112, 11381253, 27400454) (PVS1). This variant has been reported in the homozygous or compound heterozygous state in at least 3 unrelated affected individuals (PMID: 11381253, 17998451, 22038564) (PM3). This variant has a 0.0334% maximum allele frequency in non-founder control populations (PM2_Supporting). Based on the current evidence, this variant is classified as pathogenic for autosomal recessive choreoacanthocytosis.

3billion
Classification: Pathogenic for VPS13A-related neurodegenerative disease. Last evaluated: 2024-09-03. Review status: criteria provided, single submitter. Criteria: ACMG Guidelines, 2015. Collection method: clinical testing. Allele origin: germline. Affected: yes.
Comment: The variant is observed at an extremely low frequency in the gnomAD v4.0.0 dataset (total allele frequency: 0.002%). Predicted Consequence/Location: Frameshift: predicted to result in a loss or disruption of normal protein function through nonsense-mediated decay (NMD) or protein truncation. Multiple pathogenic variants are reported downstream of the variant. The variant has been reported at least twice as pathogenic with clinical assertions and evidence for the classification (ClinVar ID: VCV000654006 /PMID: 11381253). Therefore, this variant is classified as Pathogenic according to the recommendation of ACMG/AMP guideline.

Myriad Genetics, Inc.
Classification: Pathogenic for VPS13A-related neurodegenerative disease. Last evaluated: 2024-05-14. Review status: criteria provided, single submitter. Criteria: Myriad Autosomal Dominant, Autosomal Recessive and X-Linked Classification Criteria (2023). Collection method: clinical testing. Allele origin: unknown.
Comment: NM_033305.2(VPS13A):c.3556_3557dupAC(V1187Lfs*12) is expected to be pathogenic in the context of VPS13A disease. This variant is predicted to lead to an abnormal or absent protein product due to the creation of a premature termination codon in VPS13A, a gene where loss-of-function variants are known to be pathogenic. Please note: this variant was assessed in the context of healthy population screening.

Fulgent Genetics
Classification: Pathogenic for VPS13A-related neurodegenerative disease. Last evaluated: 2024-05-01. Review status: criteria provided, single submitter. Criteria: ACMG Guidelines, 2015. Collection method: clinical testing. Allele origin: germline.

Women's Health and Genetics/Laboratory Corporation of America, LabCorp
Classification: Pathogenic for VPS13A-related neurodegenerative disease. Last evaluated: 2023-06-19. Review status: criteria provided, single submitter. Criteria: LabCorp Variant Classification Summary - May 2015. Collection method: clinical testing. Allele origin: germline.
Comment: Variant summary: VPS13A c.3556_3557dupAC (p.Val1187LeufsX12) results in a premature termination codon, predicted to cause absence of the protein due to nonsense mediated decay, which is a commonly known mechanism for disease. The variant allele was found at a frequency of 2.4e-05 in 250632 control chromosomes (gnomAD). c.3556_3557dupAC has been reported in the literature in individuals affected with Choreoacanthocytosis (e.g. Walker_2012), and at least one was reported as compound heterozygous with another pathogenic variant. These data suggest the variant is likely to be associated with disease. The following publication has been ascertained in the context of this evaluation (PMID: 22038564). Three submitters have cited clinical-significance assessments for this variant to ClinVar after 2014, and classified it as pathogenic. Based on the evidence outlined above, the variant was classified as pathogenic.

GeneDx
Classification: Pathogenic. Last evaluated: 2022-04-14. Review status: criteria provided, single submitter. Criteria: GeneDx Variant Classification Process June 2021. Collection method: clinical testing. Allele origin: germline. Affected: yes.
Comment: Not observed at a significant frequency in large population cohorts (gnomAD); Frameshift variant predicted to result in protein truncation or nonsense mediated decay in a gene for which loss-of-function is a known mechanism of disease; This variant is associated with the following publications: (PMID: 17998451, 11381253, 9382101, 22038564)

Blueprint Genetics
Classification: Pathogenic for VPS13A-related disorders. Last evaluated: 2020-06-24. Review status: criteria provided, single submitter. Criteria: ACMG Guidelines, 2015. Collection method: clinical testing. Allele origin: germline. Affected: yes. Observed: 1 variant allele.

OMIM
Classification: Pathogenic for CHOREOACANTHOCYTOSIS. Last evaluated: 2007-11-01. Review status: no assertion criteria provided. Collection method: literature only. Allele origin: germline. Not counted in ClinVar's aggregate classification.

Literature cited by the submitters: PubMed 12404112 (cited by Labcorp Genetics (formerly Invitae), Labcorp); PubMed 21598378 (cited by Labcorp Genetics (formerly Invitae), Labcorp); PubMed 11381253 (cited by 3 submitters); PubMed 17998451 (cited by 3 submitters); PubMed 22038564 (cited by Natera, Inc. and Women's Health and Genetics/Laboratory Corporation of America, LabCorp).

NM_033305.3(VPS13A):c.3556_3557dup (p.Val1187fs)

Gene: VPS13A (vacuolar protein sorting 13 homolog A; plus strand). Cytogenetic location: 9q21.2.
Variant type: Duplication.
Coding change: c.3556_3557dup on transcript NM_033305.3 (MANE Select); coding-DNA positions 3556 to 3557, 2 bases duplicated (AC; older notation c.3556_3557dupAC).
Protein change: p.Val1187fs; shifts the reading frame from valine 1187.
Molecular consequence: frameshift variant.
Genome position (GRCh38, 1-based): chr9:77,295,590-77,295,591, AC duplicated. VCF-style (leftmost placement, unchanged base first): chr9-77295589-A-AAC. GRCh37 (hg19) VCF-style: chr9-79910505-A-AAC.
Other names: c.3556_3557dupAC (NM_033305.2, NM_033305.3); c.3439_3440dup, p.Val1148fs (NM_001018037.2); c.3556_3557dup, p.Val1187fs (NM_001018038.3, NM_015186.4); short protein forms V1187fs, V1148fs.
Identifiers: ClinVar variation 654006 (VCV000654006.21), dbSNP rs779746050, ClinGen allele CA5092292.